The following is an entry in ClinVar:

NM_000222.3(KIT):c.1615A>G (p.Ile539Val)

Gene: KIT (KIT proto-oncogene, receptor tyrosine kinase; plus strand). Cytogenetic location: 4q12.
Variant type: single nucleotide variant.
Coding change: c.1615A>G on transcript NM_000222.3 (MANE Select); coding-DNA position 1615, A replaced by G.
Protein change: p.Ile539Val; replaces isoleucine 539 with valine.
Molecular consequence: missense variant.
Genome position (GRCh38, 1-based): chr4:54,727,292, A>G. VCF-style: chr4-54727292-A-G. GRCh37 (hg19) VCF-style: chr4-55593458-A-G.
Other names: c.1603A>G, p.Ile535Val (NM_001093772.2, NM_001385286.1); c.1618A>G, p.Ile540Val (NM_001385284.1, NM_001385290.1); c.1615A>G, p.Ile539Val (NM_001385285.1); c.1606A>G, p.Ile536Val (NM_001385288.1, NM_001385292.1); short protein forms I539V, I535V, I536V, I540V.
Identifiers: ClinVar variation 576492 (VCV000576492.12), dbSNP rs1476093811, ClinGen allele CA356907330.
Genomic context (GRCh38, chr4:54,727,292, plus strand): 5'-CACACCCTGTTCACTCCTTTGCTGATTGGTTTCGTAATCGTAGCTGGCATGATGTGCATT[A>G]TTGTGATGATTCTGACCTACAAATATTTACAGGTAACCATTTATTTGTTCTCTCTCCAGA-3'
Protein context (NP_000213.1, residues 529-549): FVIVAGMMCI[Ile539Val]VMILTYKYLQ

ClinVar aggregate classification (germline): Conflicting classifications of pathogenicity. Review status: criteria provided, conflicting classifications (1 of 4 stars). 3 submissions from 3 submitters: Uncertain significance (2); Likely benign (1). Last evaluated 2025-07-14.

Conditions:
Gastrointestinal stromal tumor. Also called: Gastrointestinal stromal tumor, somatic; Gastrointestinal stroma tumor. Identifiers: Orphanet 44890, MedGen C0238198, MeSH D046152, MONDO:0011719, OMIM 606764, HP:0100723.
Hereditary cancer-predisposing syndrome. Also called: Hereditary Cancer Syndrome; Tumor predisposition; Neoplastic Syndromes, Hereditary; Hereditary neoplastic syndrome. Identifiers: Orphanet 140162, MedGen C0027672, MeSH D009386, MONDO:0015356.

Allele frequency attached by ClinVar (database versions not stated): gnomAD exomes below 0.00001; TOPMed below 0.00001.
gnomAD v4.1: 6 of 1,614,154 alleles (0.00037%); highest among the groups gnomAD compares: African/African-American, 0.0013%; no homozygotes.

Submissions (3):

Labcorp Genetics (formerly Invitae), Labcorp
Classification: Uncertain significance for Gastrointestinal stromal tumor. Last evaluated: 2025-07-14. Review status: criteria provided, single submitter. Criteria: Invitae Variant Classification Sherloc (09022015). Collection method: clinical testing. Allele origin: germline.
Comment: This sequence change replaces isoleucine, which is neutral and non-polar, with valine, which is neutral and non-polar, at codon 539 of the KIT protein (p.Ile539Val). This variant is present in population databases (no rsID available, gnomAD 0.0009%). This variant has not been reported in the literature in individuals affected with KIT-related conditions. ClinVar contains an entry for this variant (Variation ID: 576492). An algorithm developed to predict the effect of missense changes on protein structure and function outputs the following: PolyPhen-2: "Benign". The valine amino acid residue is found in multiple mammalian species, which suggests that this missense change does not adversely affect protein function. In summary, the available evidence is currently insufficient to determine the role of this variant in disease. Therefore, it has been classified as a Variant of Uncertain Significance.

Ambry Genetics
Classification: Likely benign for Hereditary cancer-predisposing syndrome. Last evaluated: 2025-03-13. Review status: criteria provided, single submitter. Criteria: Ambry Variant Classification Scheme 2023. Collection method: clinical testing. Allele origin: germline.

GeneDx
Classification: Uncertain significance. Last evaluated: 2024-01-09. Review status: criteria provided, single submitter. Criteria: GeneDx Variant Classification Process June 2021. Collection method: clinical testing. Allele origin: germline. Affected: yes.
Comment: Not observed at significant frequency in large population cohorts (gnomAD); In silico analysis supports that this missense variant does not alter protein structure/function; Has not been previously published as pathogenic or benign to our knowledge